The following is an entry in ClinVar:

ClinVar aggregate classification (germline): Uncertain significance (0 of 4 stars; one submission).

Conditions:
RAI1-related disorder. Also called: RAI1-related condition.

gnomAD v4.1: 1 of 1,613,708 alleles (0.000062%); highest among the groups gnomAD compares: Non-Finnish European, 0.000085%; no homozygotes.

Submission:

PreventionGenetics, part of Exact Sciences
Classification: Uncertain significance for RAI1-related condition. Last evaluated: 2024-01-24. Review status: no assertion criteria provided. Collection method: clinical testing. Allele origin: germline.
Comment: The RAI1 c.2322G>C variant is predicted to result in the amino acid substitution p.Lys774Asn. To our knowledge, this variant has not been reported in the literature or in a large population database, indicating this variant is rare. At this time, the clinical significance of this variant is uncertain due to the absence of conclusive functional and genetic evidence.

NM_030665.4(RAI1):c.2322G>C (p.Lys774Asn)

Gene: RAI1 (retinoic acid induced 1; plus strand). Cytogenetic location: 17p11.2.
Variant type: single nucleotide variant.
Coding change: c.2322G>C on transcript NM_030665.4 (MANE Select); coding-DNA position 2322, G replaced by C.
Protein change: p.Lys774Asn; replaces lysine 774 with asparagine.
Molecular consequence: missense variant.
Genome position (GRCh38, 1-based): chr17:17,795,270, G>C. VCF-style: chr17-17795270-G-C. GRCh37 (hg19) VCF-style: chr17-17698584-G-C.
Other names: short protein forms K774N.
Identifiers: ClinVar variation 3349581 (VCV003349581.1).
Genomic context (GRCh38, chr17:17,795,270, plus strand): 5'-TTGTCCCAGGTGGGGATTGCACCCTGGCGAGCTTACCAAGGGCCTGGAGCAGGGTGGGAA[G>C]GCCTCAGATGGCATCAGCAAAGGGGACACCCATGAGGCTTCGGCCTGCCTGGGCTTCCAG-3'
Protein context (NP_109590.3, residues 764-784): ELTKGLEQGG[Lys774Asn]ASDGISKGDT